The following is an entry in ClinVar:

NM_018685.5(ANLN):c.3269A>G (p.Asp1090Gly)

Gene: ANLN (anillin, actin binding protein; plus strand). Cytogenetic location: 7p14.2.
Variant type: single nucleotide variant.
Coding change: c.3269A>G on transcript NM_018685.5 (MANE Select); coding-DNA position 3269, A replaced by G.
Protein change: p.Asp1090Gly; replaces aspartic acid 1090 with glycine.
Molecular consequence: missense variant.
Genome position (GRCh38, 1-based): chr7:36,452,494, A>G. VCF-style: chr7-36452494-A-G. GRCh37 (hg19) VCF-style: chr7-36492103-A-G.
Other names: c.3158A>G, p.Asp1053Gly (NM_001284301.3); c.3155A>G, p.Asp1052Gly (NM_001284302.3); short protein forms D1052G, D1090G, D1053G.
Identifiers: ClinVar variation 2787855 (VCV002787855.3), dbSNP rs1383805578, ClinGen allele CA367201352.
Genomic context (GRCh38, chr7:36,452,494, plus strand): 5'-GAGGGAGAAGAATTCTGACCTCTTTGGTTGTTTGTTCCTGTAGGAACTGGCTGTCTGCAG[A>G]TACTAAAGAAGAGCGGGATCTCTGGATGCAAAAACTCAATCAAGTTCTTGTTGATATTCG-3'
Protein context (NP_061155.2, residues 1080-1100): LCVTKNWLSA[Asp1090Gly]TKEERDLWMQ

ClinVar aggregate classification (germline): Uncertain significance (1 of 4 stars; one submission).

Allele frequency attached by ClinVar (database versions not stated): TOPMed below 0.00001.
gnomAD v4.1: 2 of 1,614,064 alleles (0.00012%); highest among the groups gnomAD compares: Admixed American, 0.0017%; no homozygotes.

Submission:

Labcorp Genetics (formerly Invitae), Labcorp
Classification: Uncertain significance. Last evaluated: 2025-04-02. Review status: criteria provided, single submitter. Criteria: Invitae Variant Classification Sherloc (09022015). Collection method: clinical testing. Allele origin: germline.
Comment: This sequence change replaces aspartic acid, which is acidic and polar, with glycine, which is neutral and non-polar, at codon 1090 of the ANLN protein (p.Asp1090Gly). This variant is present in population databases (no rsID available, gnomAD 0.003%). This variant has not been reported in the literature in individuals affected with ANLN-related conditions. ClinVar contains an entry for this variant (Variation ID: 2787855). Invitae Evidence Modeling of protein sequence and biophysical properties (such as structural, functional, and spatial information, amino acid conservation, physicochemical variation, residue mobility, and thermodynamic stability) indicates that this missense variant is expected to disrupt ANLN protein function with a positive predictive value of 80%. In summary, the available evidence is currently insufficient to determine the role of this variant in disease. Therefore, it has been classified as a Variant of Uncertain Significance.